The following is an entry in ClinVar:

ClinVar aggregate classification (germline): Uncertain significance. Review status: criteria provided, multiple submitters, no conflicts (2 of 4 stars). 2 submissions from 2 submitters: Uncertain significance (2). Last evaluated 2025-03-25.

gnomAD v4.1: 5 of 1,610,158 alleles (0.00031%); highest among the groups gnomAD compares: African/African-American, 0.0067%; no homozygotes.

Submissions (2):

Ambry Genetics
Classification: Uncertain significance. Last evaluated: 2025-03-25. Review status: criteria provided, single submitter. Criteria: Ambry Variant Classification Scheme 2023. Collection method: clinical testing. Allele origin: germline.

Labcorp Genetics (formerly Invitae), Labcorp
Classification: Uncertain significance. Last evaluated: 2024-09-14. Review status: criteria provided, single submitter. Criteria: Invitae Variant Classification Sherloc (09022015). Collection method: clinical testing. Allele origin: germline.
Comment: This sequence change replaces isoleucine, which is neutral and non-polar, with valine, which is neutral and non-polar, at codon 154 of the SEMA4A protein (p.Ile154Val). This variant is present in population databases (rs141242452, gnomAD 0.007%). This variant has not been reported in the literature in individuals affected with SEMA4A-related conditions. An algorithm developed to predict the effect of missense changes on protein structure and function (PolyPhen-2) suggests that this variant is likely to be tolerated. In summary, the available evidence is currently insufficient to determine the role of this variant in disease. Therefore, it has been classified as a Variant of Uncertain Significance.

NM_022367.4(SEMA4A):c.460A>G (p.Ile154Val)

Gene: SEMA4A (semaphorin 4A; plus strand). Cytogenetic location: 1q22.
Variant type: single nucleotide variant.
Coding change: c.460A>G on transcript NM_022367.4 (MANE Select); coding-DNA position 460, A replaced by G.
Protein change: p.Ile154Val; replaces isoleucine 154 with valine.
Molecular consequence: missense variant. On other transcripts: 5 prime UTR variant (2), intron variant (1).
Genome position (GRCh38, 1-based): chr1:156,158,484, A>G. VCF-style: chr1-156158484-A-G. GRCh37 (hg19) VCF-style: chr1-156128275-A-G.
Other names: c.460A>G, p.Ile154Val (NM_001193300.2, NM_001193301.2, NM_001370567.1); c.163A>G, p.Ile55Val (NM_001370568.1); c.-65A>G (NM_001370569.1, NM_001370571.1); c.67-235A>G (NM_001193302.2); c.460A>G (NM_022367.3); short protein forms I154V, I55V.
Identifiers: ClinVar variation 3614199 (VCV003614199.3).